The following is an entry in ClinVar:

NM_001370298.3(FGD4):c.955G>A (p.Glu319Lys)

Gene: FGD4 (FYVE, RhoGEF and PH domain containing 4; plus strand). Cytogenetic location: 12p11.21.
Variant type: single nucleotide variant.
Coding change: c.955G>A on transcript NM_001370298.3 (MANE Select); coding-DNA position 955, G replaced by A.
Protein change: p.Glu319Lys; replaces glutamic acid 319 with lysine.
Molecular consequence: missense variant. On other transcripts: 5 prime UTR variant (2), non-coding transcript variant (1), intron variant (1).
Genome position (GRCh38, 1-based): chr12:32,582,411, G>A. VCF-style: chr12-32582411-G-A. GRCh37 (hg19) VCF-style: chr12-32735345-G-A.
Other names: c.799G>A, p.Glu267Lys (NM_001304481.2); c.-301G>A (NM_001304483.2); c.-608G>A (NM_001304484.2); c.265G>A, p.Glu89Lys (NM_001330373.2, NM_001330374.2, NM_001384130.1); c.955G>A, p.Glu319Lys (NM_001384126.1); c.544G>A, p.Glu182Lys (NM_001384127.1, NM_001384128.1, NM_001384131.1 and 3 more transcripts); c.49-16086G>A (NM_001370297.1); short protein forms E182K, E89K, E267K, E319K.
Identifiers: ClinVar variation 661285 (VCV000661285.8), dbSNP rs1592295272, ClinGen allele CA384356479.

ClinVar aggregate classification (germline): Uncertain significance (1 of 4 stars; one submission).

Conditions:
Charcot-Marie-Tooth disease type 4. Also called: Charcot-Marie-Tooth, Type 4; Charcot-Marie-Tooth disease, type IV. Identifiers: Orphanet 64749, MedGen C4082197, MONDO:0018995.

Submission:

Labcorp Genetics (formerly Invitae), Labcorp
Classification: Uncertain significance for Charcot-Marie-Tooth disease type 4. Last evaluated: 2018-08-18. Review status: criteria provided, single submitter. Criteria: Invitae Variant Classification Sherloc (09022015). Collection method: clinical testing. Allele origin: germline.
Comment: In summary, the available evidence is currently insufficient to determine the role of this variant in disease. Therefore, it has been classified as a Variant of Uncertain Significance. Algorithms developed to predict the effect of missense changes on protein structure and function output the following: SIFT: "Tolerated"; PolyPhen-2: "Benign"; Align-GVGD: "Class C0". The lysine amino acid residue is found in multiple mammalian species, suggesting that this missense change does not adversely affect protein function. These predictions have not been confirmed by published functional studies and their clinical significance is uncertain. This variant has not been reported in the literature in individuals with FGD4-related disease. This variant is not present in population databases (ExAC no frequency). This sequence change replaces glutamic acid with lysine at codon 182 of the FGD4 protein (p.Glu182Lys). The glutamic acid residue is moderately conserved and there is a small physicochemical difference between glutamic acid and lysine.